The following is an entry in ClinVar:

NM_004415.4(DSP):c.8566T>A (p.Ser2856Thr)

Gene: DSP (desmoplakin; plus strand). Cytogenetic location: 6p24.3.
Variant type: single nucleotide variant.
Coding change: c.8566T>A on transcript NM_004415.4 (MANE Select); coding-DNA position 8566, T replaced by A.
Protein change: p.Ser2856Thr; replaces serine 2856 with threonine.
Molecular consequence: missense variant.
Genome position (GRCh38, 1-based): chr6:7,585,828, T>A. VCF-style: chr6-7585828-T-A. GRCh37 (hg19) VCF-style: chr6-7586061-T-A.
Other names: c.6769T>A, p.Ser2257Thr (NM_001008844.3); c.7237T>A, p.Ser2413Thr (NM_001319034.2); short protein forms S2257T, S2413T, S2856T.
Identifiers: ClinVar variation 1060837 (VCV001060837.11), dbSNP rs148550678, ClinGen allele CA052797.

ClinVar aggregate classification (germline): Conflicting classifications of pathogenicity. Review status: criteria provided, conflicting classifications (1 of 4 stars). 3 submissions from 3 submitters: Uncertain significance (2); Likely benign (1). Last evaluated 2023-08-15.

Conditions:
Cardiomyopathy, dilated, with wooly hair, keratoderma, and tooth agenesis. Also called: Erythrokeratodermia-cardiomyopathy syndrome; Cardiomyopathy, dilated, with woolly hair, keratoderma, and tooth agenesis. Identifiers: Orphanet 476096, Orphanet 65282, MedGen C4014393, MONDO:0014355, OMIM 615821.
Arrhythmogenic cardiomyopathy with wooly hair and keratoderma. Also called: Arrhythmogenic cardiomyopathy with woolly hair and keratoderma; Carvajal syndrome; Dilated cardiomyopathy with woolly hair and keratoderma; PALMOPLANTAR KERATODERMA WITH LEFT VENTRICULAR CARDIOMYOPATHY AND WOOLLY HAIR. Identifiers: Orphanet 65282, MedGen C1854063, MONDO:0011581, OMIM 605676.
Keratosis palmoplantaris striata 2. Also called: Keratosis palmoplantaris striata II; KERATODERMA, PALMOPLANTAR, STRIATE FORM II; STRIATE PALMOPLANTAR KERATODERMA II. Identifiers: MedGen C1852127, MONDO:0013034, OMIM 612908.
Lethal acantholytic epidermolysis bullosa (EBLA). Identifiers: Orphanet 158687, MedGen C1864826, MONDO:0012323, OMIM 609638.
Woolly hair-skin fragility syndrome (WHSF). Identifiers: Orphanet 293165, MedGen C1843292, MONDO:0957307, OMIM 620415.
Arrhythmogenic right ventricular dysplasia 8 (ARVD8). Also called: Arrhythmogenic Right Ventricular Dysplasia/Cardiomyopathy 8; ARRHYTHMOGENIC RIGHT VENTRICULAR DYSPLASIA, FAMILIAL, 8; ARRHYTHMOGENIC RIGHT VENTRICULAR CARDIOMYOPATHY 8. Identifiers: MedGen C1843896, MONDO:0011831, OMIM 607450.

Allele frequency attached by ClinVar (database versions not stated): gnomAD exomes below 0.00001; ExAC 0.00001; gnomAD 0.00001; TOPMed 0.00001; ESP Exome Variant Server 0.00015.
gnomAD v4.1: 1 of 1,612,628 alleles (0.000062%); highest among the groups gnomAD compares: African/African-American, 0.0013%; no homozygotes.

Submissions (3):

All of Us Research Program, National Institutes of Health
Classification: Uncertain significance for Arrhythmogenic cardiomyopathy with wooly hair and keratoderma. Last evaluated: 2023-08-15. Review status: criteria provided, single submitter. Criteria: ACMG Guidelines, 2015. Collection method: clinical testing. Allele origin: germline. Inheritance: Autosomal dominant inheritance. Observed: 1 variant allele, 1 heterozygote.
Comment: This missense variant replaces serine with threonine at codon 2856 of the DSP protein. Computational prediction suggests that this variant may not impact protein structure and function (internally defined REVEL score threshold <= 0.5, PMID: 27666373). To our knowledge, functional studies have not been reported for this variant. This variant has not been reported in individuals affected with DSP-related disorders in the literature. This variant has been identified in 1/249012 chromosomes in the general population by the Genome Aggregation Database (gnomAD). The available evidence is insufficient to determine the role of this variant in disease conclusively. Therefore, this variant is classified as a Variant of Uncertain Significance.

This study involves interpretation of variants in research participants for the purpose of population health screening. Participant phenotype was not available at the time of variant classification. Additional details can be found in publication PMID: 35346344, PMCID: PMC8962531

Labcorp Genetics (formerly Invitae), Labcorp
Classification: Likely benign for Arrhythmogenic cardiomyopathy with wooly hair and keratoderma; Arrhythmogenic right ventricular dysplasia 8. Last evaluated: 2022-12-06. Review status: criteria provided, single submitter. Criteria: Invitae Variant Classification Sherloc (09022015). Collection method: clinical testing. Allele origin: germline.

Fulgent Genetics
Classification: Uncertain significance for Arrhythmogenic cardiomyopathy with wooly hair and keratoderma; Arrhythmogenic right ventricular dysplasia 8; Lethal acantholytic epidermolysis bullosa; Keratosis palmoplantaris striata 2; Cardiomyopathy, dilated, with wooly hair, keratoderma, and tooth agenesis. Last evaluated: 2021-08-04. Review status: criteria provided, single submitter. Criteria: ACMG Guidelines, 2015. Collection method: clinical testing. Allele origin: unknown.